The following is an entry in ClinVar:

ClinVar aggregate classification (germline): Pathogenic. Review status: criteria provided, multiple submitters, no conflicts (2 of 4 stars). 2 submissions from 2 submitters: Pathogenic (2). Last evaluated 2022-04-18.

Conditions:
RHO-related disorder. Also called: RHO-related condition.

Submissions (2):

Labcorp Genetics (formerly Invitae), Labcorp
Classification: Pathogenic. Last evaluated: 2022-04-18. Review status: criteria provided, single submitter. Criteria: Invitae Variant Classification Sherloc (09022015). Collection method: clinical testing. Allele origin: germline.
Comment: This variant is not present in population databases (gnomAD no frequency). For these reasons, this variant has been classified as Pathogenic. Algorithms developed to predict the effect of missense changes on protein structure and function (SIFT, PolyPhen-2, Align-GVGD) all suggest that this variant is likely to be disruptive. This missense change has been observed in individual(s) with retinitis pigmentosa and/or RHO-related conditions (PMID: 1833777, 28559085, 31054281). In at least one individual the variant was observed to be de novo. It has also been observed to segregate with disease in related individuals. This sequence change replaces leucine, which is neutral and non-polar, with arginine, which is basic and polar, at codon 125 of the RHO protein (p.Leu125Arg).

Blueprint Genetics
Classification: Pathogenic for RHO-related disorders. Last evaluated: 2021-05-24. Review status: criteria provided, single submitter. Criteria: ACMG Guidelines, 2015. Collection method: clinical testing. Allele origin: germline. Affected: yes. Observed: 2 variant alleles.

Literature cited by the submitters: PubMed 1833777 (cited by Labcorp Genetics (formerly Invitae), Labcorp); PubMed 28559085 (cited by Labcorp Genetics (formerly Invitae), Labcorp); PubMed 31054281 (cited by Labcorp Genetics (formerly Invitae), Labcorp).

NM_000539.3(RHO):c.374T>G (p.Leu125Arg)

Gene: RHO (rhodopsin; plus strand). Cytogenetic location: 3q22.1.
Variant type: single nucleotide variant.
Coding change: c.374T>G on transcript NM_000539.3 (MANE Select); coding-DNA position 374, T replaced by G.
Protein change: p.Leu125Arg; replaces leucine 125 with arginine.
Molecular consequence: missense variant.
Genome position (GRCh38, 1-based): chr3:129,530,888, T>G. VCF-style: chr3-129530888-T-G. GRCh37 (hg19) VCF-style: chr3-129249731-T-G.
Other names: short protein forms L125R.
Identifiers: ClinVar variation 2203432 (VCV002203432.5), dbSNP rs1399039412, ClinGen allele CA354497898.